The following is an entry in ClinVar:

NM_004972.4(JAK2):c.827G>C (p.Gly276Ala)

Genes: INSL6 (insulin like 6; minus strand), JAK2 (Janus kinase 2; plus strand). Cytogenetic location: 9p24.1.
Variant type: single nucleotide variant.
Coding change: c.827G>C on transcript NM_004972.4 (MANE Select); coding-DNA position 827, G replaced by C.
Protein change: p.Gly276Ala; replaces glycine 276 with alanine.
Molecular consequence: missense variant. On other transcripts: 5 prime UTR variant (2), non-coding transcript variant (2).
Genome position (GRCh38, 1-based): chr9:5,054,775, G>C. VCF-style: chr9-5054775-G-C. GRCh37 (hg19) VCF-style: chr9-5054775-G-C.
Other names: c.827G>C, p.Gly276Ala (NM_001322194.2, NM_001322195.2, NM_001322196.2); c.-294G>C (NM_001322198.2, NM_001322199.2); c.380G>C, p.Gly127Ala (NM_001322204.2); short protein forms G127A, G276A.
Identifiers: ClinVar variation 2629211 (VCV002629211.1), dbSNP rs759144937, ClinGen allele CA4971668.

ClinVar aggregate classification (germline): Uncertain significance (1 of 4 stars; one submission).

Conditions:
JAK2-related disorder. Also called: JAK2-related condition.

Allele frequency attached by ClinVar (database versions not stated): gnomAD exomes below 0.00001; ExAC 0.00001; gnomAD 0.00002; TOPMed 0.00002.
gnomAD v4.1: 11 of 1,612,704 alleles (0.00068%); highest among the groups gnomAD compares: Admixed American, 0.0083%; no homozygotes.

Submission:

PreventionGenetics, part of Exact Sciences
Classification: Uncertain significance for JAK2-related condition. Last evaluated: 2023-08-01. Review status: criteria provided, single submitter. Criteria: ACMG Guidelines, 2015. Collection method: clinical testing. Allele origin: germline.
Comment: The JAK2 c.827G>C variant is predicted to result in the amino acid substitution p.Gly276Ala. To our knowledge, this variant has not been reported in the literature. This variant is reported in 0.0057% of alleles in individuals of Latino descent in gnomAD. At this time, the clinical significance of this variant is uncertain due to the absence of conclusive functional and genetic evidence.